The following is an entry in ClinVar:

NM_003924.4(PHOX2B):c.129G>T (p.Gln43His)

Genes: PHOX2B (paired like homeobox 2B; minus strand), PHOX2B-AS1 (PHOX2B antisense RNA 1; plus strand). Cytogenetic location: 4p13.
Variant type: single nucleotide variant.
Coding change: c.129G>T on transcript NM_003924.4 (MANE Select); coding-DNA position 129, G replaced by T.
Protein change: p.Gln43His; replaces glutamine 43 with histidine.
Molecular consequence: missense variant. On other transcripts: non-coding transcript variant (1).
Genome position (GRCh38, 1-based): chr4:41,748,482, C>A on the plus strand (G>T on the coding strand, the complement: PHOX2B is on the minus strand). VCF-style: chr4-41748482-C-A. GRCh37 (hg19) VCF-style: chr4-41750499-C-A.
Other names: short protein forms Q43H.
Identifiers: ClinVar variation 5026617 (VCV005026617.1).

ClinVar aggregate classification (germline): Uncertain significance (1 of 4 stars; one submission).

Conditions:
Hereditary cancer-predisposing syndrome. Also called: Neoplastic Syndromes, Hereditary; Tumor predisposition; Hereditary neoplastic syndrome; Hereditary Cancer Syndrome. Identifiers: Orphanet 140162, MedGen C0027672, MeSH D009386, MONDO:0015356.

gnomAD v4.1: 1 of 1,614,062 alleles (0.000062%); highest among the groups gnomAD compares: African/African-American, 0.0013%; no homozygotes.

Submission:

Ambry Genetics
Classification: Uncertain significance for Hereditary cancer-predisposing syndrome. Last evaluated: 2026-07-07. Review status: criteria provided, single submitter. Criteria: Ambry Variant Classification Scheme 2023. Collection method: clinical testing. Allele origin: germline.
Comment: The p.Q43H variant (also known as c.129G>T), located in coding exon 1 of the PHOX2B gene, results from a G to T substitution at nucleotide position 129. The glutamine at codon 43 is replaced by histidine, an amino acid with highly similar properties. This amino acid position is conserved. In addition, this alteration is predicted to be deleterious by in silico analysis. Based on the available evidence, the clinical significance of this variant remains unclear.